The following is an entry in ClinVar:

ClinVar aggregate classification (germline): Pathogenic/Likely pathogenic. Review status: criteria provided, multiple submitters, no conflicts (2 of 4 stars). 12 submissions from 12 submitters: Pathogenic (8); Likely pathogenic (3). 1 of the submissions does not count toward it. Last evaluated 2026-02-01.

Conditions:
GCDH-related disorder. Also called: GCDH-related condition.
Glutaric aciduria, type 1. Also called: Glutaricaciduria, type I; Glutaric Acidemia Type 1; Glutaryl-CoA dehydrogenase deficiency; GA I; Glutaric acidemia type I; Glutaricacidemia Type 1. Identifiers: Orphanet 25, MedGen C0268595, MONDO:0009281, OMIM 231670.

Allele frequency attached by ClinVar (database versions not stated): TOPMed 0.00001; ExAC 0.00013; 1000 Genomes Project 30x 0.00016; 1000 Genomes Project 0.00020.
gnomAD v4.1: 97 of 1,614,144 alleles (0.006%); highest among the groups gnomAD compares: South Asian, 0.1%; no homozygotes.

Submissions 1 to 9 of 12:

Labcorp Genetics (formerly Invitae), Labcorp
Classification: Pathogenic for Glutaric aciduria, type 1. Last evaluated: 2026-02-01. Review status: criteria provided, single submitter. Criteria: Invitae Variant Classification Sherloc (09022015). Collection method: clinical testing. Allele origin: germline.
Comment: This sequence change replaces arginine, which is basic and polar, with glutamine, which is neutral and polar, at codon 94 of the GCDH protein (p.Arg94Gln). This variant is present in population databases (rs566417795, gnomAD 0.1%). This missense change has been observed in individual(s) with glutaric acidemia (PMID: 25762492; internal data). It has also been observed to segregate with disease in related individuals. ClinVar contains an entry for this variant (Variation ID: 418224). Invitae Evidence Modeling of protein sequence and biophysical properties (such as structural, functional, and spatial information, amino acid conservation, physicochemical variation, residue mobility, and thermodynamic stability) indicates that this missense variant is not expected to disrupt GCDH protein function with a negative predictive value of 80%. Experimental studies have shown that this missense change affects GCDH function (PMID: 11024031). This variant disrupts the p.Arg94 amino acid residue in GCDH. Other variant(s) that disrupt this residue have been determined to be pathogenic (PMID: 9600243). This suggests that this residue is clinically significant, and that variants that disrupt this residue are likely to be disease-causing. For these reasons, this variant has been classified as Pathogenic.

Natera, Inc.
Classification: Pathogenic for Glutaric acidemia type 1. Last evaluated: 2025-12-26. Review status: criteria provided, single submitter. Criteria: Natera Variant Classification Schema (03/2026). Collection method: clinical testing. Allele origin: germline.
Comment: The c.281G>A variant in GCDH is a missense variant predicted to cause substitution of arginine to glutamine at amino acid 94. This variant is rare in the general population with a frequency below the threshold expected for the associated phenotype(s). This variant has been observed in one or more individuals affected with the associated recessive disease, as either homozygous or compound heterozygous with a second variant (PMID: 38374498, 35662016, 31302874, 33728242). Additionally, this variant has been observed to segregate in affected family members (PMID: 33728242). Functional studies show that this variant may disrupt protein function (PMID: 11024031). Computational prediction algorithms indicate this variant is likely to affect gene or protein function. Given the available evidence, this variant is classified as Pathogenic.

Blueprint Genetics
Classification: Pathogenic for GCDH-related disorders. Last evaluated: 2024-11-08. Review status: criteria provided, single submitter. Criteria: ACMG Guidelines, 2015. Collection method: clinical testing. Allele origin: germline. Affected: yes. Observed: 3 variant alleles.

Women's Health and Genetics/Laboratory Corporation of America, LabCorp
Classification: Pathogenic for Glutaric aciduria, type 1. Last evaluated: 2023-03-15. Review status: criteria provided, single submitter. Criteria: LabCorp Variant Classification Summary - May 2015. Collection method: clinical testing. Allele origin: germline.
Comment: Variant summary: GCDH c.281G>A (p.Arg94Gln) results in a conservative amino acid change located in the Acyl-CoA dehydrogenase/oxidase, N-terminal domain (IPR013786) of the encoded protein sequence. Four of five in-silico tools predict a damaging effect of the variant on protein function. The variant allele was found at a frequency of 0.00012 in 251464 control chromosomes (gnomAD). This frequency is not higher than estimated for a pathogenic variant in GCDH causing Glutaric Acidemia Type 1 (0.00012 vs 0.0035), allowing no conclusion about variant significance. c.281G>A has been reported in the literature in individuals affected with Glutaric Acidemia Type 1 (Gupta_2015, Foran_2021, Healy_2022), including two siblings. These data indicate that the variant is likely to be associated with disease. At least one publication reports experimental evidence evaluating an impact on protein function indicating about 2% residual activity with glutaryl- CoA as substrate (Dwyer_2001). Another variant affecting the same amino acid (c.281G>T, p.Arg94Leu) has also been associated with GA1, suggesting an important role for this amino acid. Eight clinical diagnostic laboratories have submitted clinical-significance assessments for this variant to ClinVar after 2014 and classified it as pathogenic (n=3), likely pathogenic (n= 4) and VUS (n=1). Based on the evidence outlined above, the variant was classified as pathogenic.

Victorian Clinical Genetics Services, Murdoch Childrens Research Institute
Classification: Pathogenic for Glutaric aciduria, type 1. Last evaluated: 2022-06-24. Review status: criteria provided, single submitter. Criteria: ACMG Guidelines, 2015. Collection method: clinical testing. Allele origin: germline. Inheritance: Autosomal recessive inheritance. Affected: no.
Comment: Based on the classification scheme VCGS_Germline_v1.3.4, this variant is classified as pathogenic. The following criteria are met: 0102 - Loss of function is a known mechanism of disease in this gene and is associated with glutaricaciduria type I (GA-I, MIM#231670). (I) 0106 - This gene is associated with autosomal recessive disease. (I) 0115 - Variants in this gene are known to have variable expressivity (GeneReviews). (I) 0200 - Variant is predicted to result in a missense amino acid change from arginine to glutamine. (I) 0251 - This variant is heterozygous. (I) 0304 - Variant is present in gnomAD (v2) <0.01 for a recessive condition (31 heterozygotes, 0 homozygotes). (SP) 0309 - An alternative amino acid change at the same position has been observed in gnomAD (v3) (2 heterozygotes, 0 homozygotes). (I) 0501 - Missense variant consistently predicted to be damaging by multiple in silico tools or highly conserved with a major amino acid change. (SP) 0600 - Variant is located in the annotated Acyl-CoA dehydrogenase, N-terminal domain (DECIPHER). (I) 0705 - No comparable missense variants have previous evidence for pathogenicity. The alternative amino acid change to leucine, p.(Arg94Leu) has been reported as likely pathogenic (3x) in ClinVar, however, it has not been used as supporting evidence as the change to leucine has a much larger Grantham score. In addition, p.(Arg94Trp) has been reported as a VUS in ClinVar. (I) 0801 - This variant has strong previous evidence of pathogenicity in unrelated individuals. This variant has been reported in 8 individuals, including three unrelated families with GA-I (low excreter biochemical phenotype) in both compound heterozygous and homozygous state (ClinVar, PMIDs: 25762492, 31302874, 33728242, 33138774) (SP) 0905 - No published segregation evidence has been identified for this variant. (I) 1002 - This variant has moderate functional evidence supporting abnormal protein function. Experimental studies have shown a significantly reduced Kcat of GCDH to 2% to 3% of wild type GCDH (PMID: 11024031). (SP) 1208 - Inheritance information for this variant is not currently available in this individual. (I) Legend: (SP) - Supporting pathogenic, (I) - Information, (SB) - Supporting benign

Fulgent Genetics
Classification: Likely pathogenic for Glutaric aciduria, type 1. Last evaluated: 2022-05-18. Review status: criteria provided, single submitter. Criteria: ACMG Guidelines, 2015. Collection method: clinical testing. Allele origin: unknown.

Revvity Omics, Revvity
Classification: Likely pathogenic for Glutaric aciduria, type 1. Last evaluated: 2022-03-28. Review status: criteria provided, single submitter. Criteria: ACMG Guidelines, 2015. Collection method: clinical testing. Allele origin: germline.

Genetics and Genomic Medicine Centre, NeuroGen Healthcare, NeuroGen Healthcare
Classification: Pathogenic for Glutaric aciduria, type 1. Last evaluated: 2020-11-10. Review status: criteria provided, single submitter. Criteria: Submitter's publication. Collection method: clinical testing. Allele origin: unknown. Affected: no.

Kasturba Medical College, Manipal, Kasturba Medical College, Manipal, Manipal Academy of Higher Education, Manipal, India
Classification: Pathogenic for Glutaric aciduria, type 1. Last evaluated: 2019-11-28. Review status: criteria provided, single submitter. Criteria: ACMG Guidelines, 2015. Collection method: clinical testing. Allele origin: inherited. Inheritance: Autosomal recessive inheritance. Affected: yes. Observed: 2 variant alleles.

NM_000159.4(GCDH):c.281G>A (p.Arg94Gln)

Gene: GCDH (glutaryl-CoA dehydrogenase; plus strand). Cytogenetic location: 19p13.13.
Variant type: single nucleotide variant.
Coding change: c.281G>A on transcript NM_000159.4 (MANE Select); coding-DNA position 281, G replaced by A.
Protein change: p.Arg94Gln; replaces arginine 94 with glutamine.
Molecular consequence: missense variant. On other transcripts: non-coding transcript variant (1).
Genome position (GRCh38, 1-based): chr19:12,892,125, G>A. VCF-style: chr19-12892125-G-A. GRCh37 (hg19) VCF-style: chr19-13002939-G-A.
Other names: c.281G>A, p.Arg94Gln (NM_013976.5); short protein forms R94Q.
Identifiers: ClinVar variation 418224 (VCV000418224.30), dbSNP rs566417795, ClinGen allele CA9234312.
Genomic context (GRCh38, chr19:12,892,125, plus strand): 5'-CTTCCTGTGGCCTAGGCCTGGGCCTGAATTTGGGCACTGGTCCCTTTGCAGTTTTTCATC[G>A]GGAGATCATTTCGGAGATGGGGGAGTTGGGTGTGCTGGGCCCCACCATCAAAGGTAGGAA-3'
Protein context (NP_000150.1, residues 84-104): LLANRNEVFH[Arg94Gln]EIISEMGELG